The following is an entry in ClinVar:

ClinVar aggregate classification (germline): Conflicting classifications of pathogenicity. Review status: criteria provided, conflicting classifications (1 of 4 stars). 3 submissions from 3 submitters: Uncertain significance (1); Likely benign (2). Last evaluated 2024-12-24.

Conditions:
Inborn genetic diseases. Identifiers: MedGen C0950123, MeSH D030342.

Allele frequency attached by ClinVar (database versions not stated): ExAC 0.00001; gnomAD 0.00001; gnomAD exomes 0.00001; TOPMed 0.00002; 1000 Genomes Project 30x 0.00047; 1000 Genomes Project 0.00060.
gnomAD v4.1: 16 of 1,613,282 alleles (0.00099%); highest among the groups gnomAD compares: Middle Eastern, 0.05%; no homozygotes.

Submissions (3):

Ambry Genetics
Classification: Uncertain significance for Inborn genetic diseases. Last evaluated: 2024-12-24. Review status: criteria provided, single submitter. Criteria: Ambry Variant Classification Scheme 2023. Collection method: clinical testing. Allele origin: germline.

GeneDx
Classification: Likely benign. Last evaluated: 2018-01-09. Review status: criteria provided, single submitter. Criteria: GeneDx Variant Classification (06012015). Collection method: clinical testing. Allele origin: germline. Affected: yes.
Comment: This variant is considered likely benign or benign based on one or more of the following criteria: it is a conservative change, it occurs at a poorly conserved position in the protein, it is predicted to be benign by multiple in silico algorithms, and/or has population frequency not consistent with disease.

Breakthrough Genomics
Classification: Likely benign. Review status: criteria provided, single submitter. Criteria: ACMG Guidelines, 2015. Collection method: not provided. Allele origin: germline. Inheritance: Autosomal recessive inheritance. Affected: yes.

NM_018136.5(ASPM):c.497A>G (p.Asn166Ser)

Gene: ASPM (assembly factor for spindle microtubules; minus strand). Cytogenetic location: 1q31.3.
Variant type: single nucleotide variant.
Coding change: c.497A>G on transcript NM_018136.5 (MANE Select); coding-DNA position 497, A replaced by G.
Protein change: p.Asn166Ser; replaces asparagine 166 with serine.
Molecular consequence: missense variant.
Genome position (GRCh38, 1-based): chr1:197,143,755, T>C on the plus strand (A>G on the coding strand, the complement: ASPM is on the minus strand). VCF-style: chr1-197143755-T-C. GRCh37 (hg19) VCF-style: chr1-197112885-T-C.
Other names: c.497A>G, p.Asn166Ser (NM_001206846.2); short protein forms N166S.
Identifiers: ClinVar variation 514483 (VCV000514483.3), dbSNP rs199520703, ClinGen allele CA1310863.